The following is an entry in ClinVar:

NM_000255.4(MMUT):c.1092_1114del (p.Asn365fs)

Gene: MMUT (methylmalonyl-CoA mutase; minus strand). Cytogenetic location: 6p12.3.
Variant type: Deletion.
Coding change: c.1092_1114del on transcript NM_000255.4 (MANE Select); coding-DNA positions 1092 to 1114, 23 bases deleted (CAATAATATTGTCCGTACTGCAA).
Protein change: p.Asn365fs; shifts the reading frame from asparagine 365.
Molecular consequence: frameshift variant.
Genome position (GRCh38, 1-based): chr6:49,451,684-49,451,706, TTGCAGTACGGACAATATTATTG deleted on the plus strand (CAATAATATTGTCCGTACTGCAA on the coding strand, the reverse complement: MMUT is on the minus strand); deleting any 23 consecutive bases within chr6:49,451,684-49,451,707 gives the same sequence; the c. name uses the placement nearest the transcript's 3' end. VCF-style (leftmost placement, unchanged base first): chr6-49451683-ATTGCAGTACGGACAATATTATTG-A. GRCh37 (hg19) VCF-style: chr6-49419396-ATTGCAGTACGGACAATATTATTG-A.
Other names: c.1092_1114del (NM_000255.3); c.1092_1114delCAATAATATTGTCCGTACTGCAA (NM_000255.3); short protein forms N365fs.
Identifiers: ClinVar variation 556535 (VCV000556535.12), dbSNP rs1476515561, ClinGen allele CA567155986.
Genomic context (GRCh38, chr6:49,451,683, plus strand): 5'-TCATCAAAAGAATTTGTGTGCAAAGACTGAGTCCCTCCAAATACTGCTGCCATTGCTTCT[ATTGCAGTACGGACAATATTATTG>A]TAGGGATCCTAAAATATTTGATAAAAAACAAAAACTCAAAGAAACAGGTGATAGATATTG-3'

ClinVar aggregate classification (germline): Pathogenic/Likely pathogenic. Review status: criteria provided, multiple submitters, no conflicts (2 of 4 stars). 4 submissions from 4 submitters: Pathogenic (2); Likely pathogenic (1). 1 of the submissions does not count toward it. Last evaluated 2024-12-30.

Conditions:
Methylmalonic aciduria due to methylmalonyl-CoA mutase deficiency (MAMM). Also called: Methylmalonic aciduria, mut type. Identifiers: Orphanet 27, MedGen C1855114, MONDO:0009612, OMIM 251000.
Methylmalonic aciduria due to complete methylmalonyl-CoA mutase deficiency.

Submissions (4):

Natera, Inc.
Classification: Pathogenic for Methylmalonic aciduria due to complete methylmalonyl-CoA mutase deficiency. Last evaluated: 2024-12-30. Review status: criteria provided, single submitter. Criteria: Natera Variant Classification Schema (03/2026). Collection method: clinical testing. Allele origin: germline.
Comment: The c.1092_1114delCAATAATATTGTCCGTACTGCAA variant in MMUT is a frameshift variant predicted to shift the reading frame beginning at codon 365 and leads to a stop codon 19 codons downstream. This variant is expected to result in nonsense mediated decay, truncation, or a dysfunctional protein product. This variant is rare in the general population with a frequency below the threshold expected for the associated phenotype(s). This variant has been observed in one or more individuals affected with the associated recessive disease, as either homozygous or compound heterozygous with a second variant (PMID: 36861405). Given the available evidence, this variant is classified as Pathogenic.

Labcorp Genetics (formerly Invitae), Labcorp
Classification: Pathogenic. Last evaluated: 2023-06-02. Review status: criteria provided, single submitter. Criteria: Invitae Variant Classification Sherloc (09022015). Collection method: clinical testing. Allele origin: germline.
Comment: For these reasons, this variant has been classified as Pathogenic. ClinVar contains an entry for this variant (Variation ID: 556535). This variant has not been reported in the literature in individuals affected with MUT-related conditions. This variant is present in population databases (no rsID available, gnomAD 0.0009%). This sequence change creates a premature translational stop signal (p.Asn365Argfs*19) in the MUT gene. It is expected to result in an absent or disrupted protein product. Loss-of-function variants in MUT are known to be pathogenic (PMID: 15781192).

Fulgent Genetics
Classification: Likely pathogenic for Methylmalonic aciduria due to methylmalonyl-CoA mutase deficiency. Last evaluated: 2022-01-08. Review status: criteria provided, single submitter. Criteria: ACMG Guidelines, 2015. Collection method: clinical testing. Allele origin: unknown.

Counsyl
Classification: Likely pathogenic for Methylmalonic aciduria due to methylmalonyl-CoA mutase deficiency. Last evaluated: 2018-02-06. Review status: no assertion criteria provided. Collection method: clinical testing. Allele origin: unknown. Not counted in ClinVar's aggregate classification.

Literature cited by the submitters: PubMed 36861405 (cited by Natera, Inc.); PubMed 15781192 (cited by Labcorp Genetics (formerly Invitae), Labcorp).